The following is an entry in ClinVar:

ClinVar aggregate classification (germline): Benign/Likely benign. Review status: criteria provided, multiple submitters, no conflicts (2 of 4 stars). 3 submissions from 3 submitters: Benign (2); Likely benign (1). Last evaluated 2025-10-21.

Allele frequency attached by ClinVar (database versions not stated): gnomAD exomes 0.00013 and 0.00023; 1000 Genomes Project 30x 0.00016; 1000 Genomes Project 0.00020; ExAC 0.00026; gnomAD 0.00062 and 0.00066; ESP Exome Variant Server 0.00069; TOPMed 0.00070.

Submissions (3):

Labcorp Genetics (formerly Invitae), Labcorp
Classification: Benign. Last evaluated: 2025-10-21. Review status: criteria provided, single submitter. Criteria: Invitae Variant Classification Sherloc (09022015). Collection method: clinical testing. Allele origin: germline.

Molecular Diagnostic Laboratory for Inherited Cardiovascular Disease, Montreal Heart Institute
Classification: Likely benign. Last evaluated: 2025-07-24. Review status: criteria provided, single submitter. Criteria: ACMG Guidelines, 2015. Collection method: clinical testing. Allele origin: germline. Affected: no.
Comment: BS1;BP7

GeneDx
Classification: Benign. Last evaluated: 2015-08-26. Review status: criteria provided, single submitter. Criteria: GeneDx Variant Classification (06012015). Collection method: clinical testing. Allele origin: germline. Affected: yes.
Comment: This variant is considered likely benign or benign based on one or more of the following criteria: it is a conservative change, it occurs at a poorly conserved position in the protein, it is predicted to be benign by multiple in silico algorithms, and/or has population frequency not consistent with disease.

NM_020745.4(AARS2):c.1558C>T (p.Leu520=)

Gene: AARS2 (alanyl-tRNA synthetase 2, mitochondrial; minus strand). Cytogenetic location: 6p21.1.
Variant type: single nucleotide variant.
Coding change: c.1558C>T on transcript NM_020745.4 (MANE Select); coding-DNA position 1558, C replaced by T.
Protein change: p.Leu520=; no amino-acid change (leucine 520 retained).
Molecular consequence: synonymous variant.
Genome position (GRCh38, 1-based): chr6:44,305,075, G>A on the plus strand (C>T on the coding strand, the complement: AARS2 is on the minus strand). VCF-style: chr6-44305075-G-A. GRCh37 (hg19) VCF-style: chr6-44272812-G-A.
Identifiers: ClinVar variation 377397 (VCV000377397.11), dbSNP rs139032394, ClinGen allele CA3834302.